The following is an entry in ClinVar:

NM_032634.4(PIGO):c.-26G>T

Gene: PIGO (phosphatidylinositol glycan anchor biosynthesis class O; minus strand). Cytogenetic location: 9p13.3.
Variant type: single nucleotide variant.
Coding change: c.-26G>T on transcript NM_032634.4 (MANE Select); 26 bases upstream of the start codon, G replaced by T.
Molecular consequence: 5 prime UTR variant. On other transcripts: intron variant (1).
Genome position (GRCh38, 1-based): chr9:35,096,179, C>A on the plus strand (G>T on the coding strand, the complement: PIGO is on the minus strand). VCF-style: chr9-35096179-C-A. GRCh37 (hg19) VCF-style: chr9-35096176-C-A.
Other names: c.-124G>T (NM_001201484.2); c.-2+382G>T (NM_152850.4).
Identifiers: ClinVar variation 390321 (VCV000390321.1), dbSNP rs911704247, ClinGen allele CA16605703.

ClinVar aggregate classification (germline): Likely benign (1 of 4 stars; one submission).

Submission:

GeneDx
Classification: Likely benign. Last evaluated: 2016-10-24. Review status: criteria provided, single submitter. Criteria: GeneDx Variant Classification (06012015). Collection method: clinical testing. Allele origin: germline. Affected: yes.
Comment: This variant is considered likely benign or benign based on one or more of the following criteria: it is a conservative change, it occurs at a poorly conserved position in the protein, it is predicted to be benign by multiple in silico algorithms, and/or has population frequency not consistent with disease.